The following is an entry in ClinVar:

NM_014927.5(CNKSR2):c.2077G>A (p.Asp693Asn)

Gene: CNKSR2 (connector enhancer of kinase suppressor of Ras 2; plus strand). Cytogenetic location: Xp22.12.
Variant type: single nucleotide variant.
Coding change: c.2077G>A on transcript NM_014927.5 (MANE Select); coding-DNA position 2077, G replaced by A.
Protein change: p.Asp693Asn; replaces aspartic acid 693 with asparagine.
Molecular consequence: missense variant.
Genome position (GRCh38, 1-based): chrX:21,606,811, G>A. VCF-style: chrX-21606811-G-A. GRCh37 (hg19) VCF-style: chrX-21624929-G-A.
Other names: c.1987G>A, p.Asp663Asn (NM_001168647.3, NM_001330773.2); c.2077G>A, p.Asp693Asn (NM_001168648.3); c.1930G>A, p.Asp644Asn (NM_001168649.3, NM_001330770.2); c.1840G>A, p.Asp614Asn (NM_001330771.2, NM_001330772.2); short protein forms D614N, D644N, D663N, D693N.
Identifiers: ClinVar variation 3368417 (VCV003368417.1).
Genomic context (GRCh38, chrX:21,606,811, plus strand): 5'-TGACGTATCCATGTCTGTGAATTTTCAGATTACTGGAGTGAGAGTGACAAGGAAGAAGCA[G>A]ATACTCCATCAACACCAAAACAAGATAGCCCTCCACCCCCATATGATACATACCCACGAC-3'
Protein context (NP_055742.2, residues 683-703): YWSESDKEEA[Asp693Asn]TPSTPKQDSP

ClinVar aggregate classification (germline): Uncertain significance (1 of 4 stars; one submission).

gnomAD v4.1: 1 of 1,201,408 alleles (0.000083%); highest among the groups gnomAD compares: Non-Finnish European, 0.00011%; no homozygotes.

Submission:

GeneDx
Classification: Uncertain significance. Last evaluated: 2024-01-29. Review status: criteria provided, single submitter. Criteria: GeneDx Variant Classification Process June 2021. Collection method: clinical testing. Allele origin: germline. Affected: yes.
Comment: Not observed at significant frequency in large population cohorts (gnomAD); In silico analysis supports that this missense variant has a deleterious effect on protein structure/function; Has not been previously published as pathogenic or benign to our knowledge